The following is an entry in ClinVar:

ClinVar aggregate classification (germline): Uncertain significance (1 of 4 stars; one submission).

Conditions:
Neuroblastoma, susceptibility to, 3. Also called: ALK-Related Neuroblastic Tumor Susceptibility. Identifiers: Orphanet 635, MedGen C2751681, MONDO:0013083, OMIM 613014.

Submission:

Labcorp Genetics (formerly Invitae), Labcorp
Classification: Uncertain significance for Neuroblastoma, susceptibility to, 3. Last evaluated: 2021-07-21. Review status: criteria provided, single submitter. Criteria: Invitae Variant Classification Sherloc (09022015). Collection method: clinical testing. Allele origin: germline.
Comment: This variant has not been reported in the literature in individuals affected with ALK-related conditions. In summary, the available evidence is currently insufficient to determine the role of this variant in disease. Therefore, it has been classified as a Variant of Uncertain Significance. Algorithms developed to predict the effect of missense changes on protein structure and function output the following: SIFT: "Tolerated"; PolyPhen-2: "Benign"; Align-GVGD: "Class C0". The asparagine amino acid residue is found in multiple mammalian species, which suggests that this missense change does not adversely affect protein function. This variant is not present in population databases (ExAC no frequency). This sequence change replaces serine with asparagine at codon 409 of the ALK protein (p.Ser409Asn). The serine residue is moderately conserved and there is a small physicochemical difference between serine and asparagine.

NM_004304.5(ALK):c.1226G>A (p.Ser409Asn)

Gene: ALK (ALK receptor tyrosine kinase; minus strand). Cytogenetic location: 2p23.2.
Variant type: single nucleotide variant.
Coding change: c.1226G>A on transcript NM_004304.5 (MANE Select); coding-DNA position 1226, G replaced by A.
Protein change: p.Ser409Asn; replaces serine 409 with asparagine.
Molecular consequence: missense variant.
Genome position (GRCh38, 1-based): chr2:29,383,788, C>T on the plus strand (G>A on the coding strand, the complement: ALK is on the minus strand). VCF-style: chr2-29383788-C-T. GRCh37 (hg19) VCF-style: chr2-29606654-C-T.
Other names: short protein forms S409N.
Identifiers: ClinVar variation 1506889 (VCV001506889.8), dbSNP rs2148301582, ClinGen allele CA346585237.